The following is an entry in ClinVar:

NM_001386393.1(PANK2):c.7G>A (p.Gly3Ser)

Genes: PANK2 (pantothenate kinase 2; plus strand), LOC130065345 (ATAC-STARR-seq lymphoblastoid silent region 12635; plus strand). Cytogenetic location: 20p13.
Variant type: single nucleotide variant.
Coding change: c.7G>A on transcript NM_001386393.1 (MANE Select); coding-DNA position 7, G replaced by A.
Protein change: p.Gly3Ser; replaces glycine 3 with serine.
Molecular consequence: missense variant. On other transcripts: 5 prime UTR variant (1), non-coding transcript variant (1), intron variant (1).
Genome position (GRCh38, 1-based): chr20:3,889,437, G>A. VCF-style: chr20-3889437-G-A. GRCh37 (hg19) VCF-style: chr20-3870084-G-A.
Other names: c.-705G>A (NM_001324191.2); c.337G>A, p.Gly113Ser (NM_001324192.1, NM_153638.4); c.-246+533G>A (NM_024960.6); c.337G>A (NM_153638.2); short protein forms G113S, G3S.
Identifiers: ClinVar variation 1432225 (VCV001432225.10), dbSNP rs1432572102, ClinGen allele CA408140626.
Genomic context (GRCh38, chr20:3,889,437, plus strand): 5'-GCGCGCCTCTGCTCTGGCTGGACTGCCGCGGAGGAGGCGAGAAGGAATCCGACGCTGGGG[G>A]GCTTGCTCGGGCGGCAGCGACTGCTGCTGCGGATGGGAGGGGGCCGGCTCGGCGCGCCCA-3'
Protein context (NP_001373322.1, residues 1-13): MG[Gly3Ser]LLGRQRLLLR

ClinVar aggregate classification (germline): Uncertain significance. Review status: criteria provided, multiple submitters, no conflicts (2 of 4 stars). 2 submissions from 2 submitters: Uncertain significance (2). Last evaluated 2025-09-25.

Conditions:
Pigmentary pallidal degeneration (NBIA1). Also called: Neurodegeneration with brain iron accumulation 1; Pantothenate Kinase-Associated Neurodegeneration; HARP SYNDROME; PKAN NEUROAXONAL DYSTROPHY, JUVENILE-ONSET; Neuroaxonal dystrophy, late infantile; Hallervorden-Spatz disease. Identifiers: Orphanet 157850, MedGen C0018523, MONDO:0009319, OMIM 234200.
Inborn genetic diseases. Identifiers: MedGen C0950123, MeSH D030342.

Allele frequency attached by ClinVar (database versions not stated): TOPMed below 0.00001; gnomAD 0.00001.
gnomAD v4.1: 4 of 1,557,264 alleles (0.00026%); highest among the groups gnomAD compares: Non-Finnish European, 0.00035%; no homozygotes.

Submissions (2):

Ambry Genetics
Classification: Uncertain significance for Inborn genetic diseases. Last evaluated: 2025-09-25. Review status: criteria provided, single submitter. Criteria: Ambry Variant Classification Scheme 2023. Collection method: clinical testing. Allele origin: germline.

Labcorp Genetics (formerly Invitae), Labcorp
Classification: Uncertain significance for Pigmentary pallidal degeneration. Last evaluated: 2023-06-29. Review status: criteria provided, single submitter. Criteria: Invitae Variant Classification Sherloc (09022015). Collection method: clinical testing. Allele origin: germline.
Comment: This variant has not been reported in the literature in individuals affected with PANK2-related conditions. ClinVar contains an entry for this variant (Variation ID: 1432225). Advanced modeling of protein sequence and biophysical properties (such as structural, functional, and spatial information, amino acid conservation, physicochemical variation, residue mobility, and thermodynamic stability) performed at Invitae indicates that this missense variant is not expected to disrupt PANK2 protein function. In summary, the available evidence is currently insufficient to determine the role of this variant in disease. Therefore, it has been classified as a Variant of Uncertain Significance. This sequence change replaces glycine, which is neutral and non-polar, with serine, which is neutral and polar, at codon 113 of the PANK2 protein (p.Gly113Ser). This variant is not present in population databases (gnomAD no frequency).